The following is an entry in ClinVar:

ClinVar aggregate classification (germline): Likely benign (1 of 4 stars; one submission).

Submission:

CeGaT Center for Human Genetics Tuebingen
Classification: Likely benign. Last evaluated: 2024-11-01. Review status: criteria provided, single submitter. Criteria: CeGaT Center For Human Genetics Tuebingen Variant Classification Criteria Version 2. Collection method: clinical testing. Allele origin: germline. Affected: yes. Observed: 1 variant allele.
Comment: INSM2: BP4, BP7

NM_032594.4(INSM2):c.42C>T (p.Gly14=)

Gene: INSM2 (INSM transcriptional repressor 2; plus strand). Cytogenetic location: 14q13.2.
Variant type: single nucleotide variant.
Coding change: c.42C>T on transcript NM_032594.4 (MANE Select); coding-DNA position 42, C replaced by T.
Protein change: p.Gly14=; no amino-acid change (glycine 14 retained).
Molecular consequence: synonymous variant.
Genome position (GRCh38, 1-based): chr14:35,534,294, C>T. VCF-style: chr14-35534294-C-T. GRCh37 (hg19) VCF-style: chr14-36003500-C-T.
Identifiers: ClinVar variation 3390207 (VCV003390207.14).
Genomic context (GRCh38, chr14:35,534,294, plus strand): 5'-GAGCGCTCTCGACTCCACCATGCCAAGGGGATTCCTGGTGAAGCGAACTAAACGGACAGG[C>T]GGCTTGTACCGAGTTCGCCTTGCGGAGCGTGTCTTCCCTCTGCTGGGGCCCCAGGGGGCG-3'
Protein context (NP_115983.3, residues 4-24): GFLVKRTKRT[Gly14=]GLYRVRLAER